The following is an entry in ClinVar:

NM_003072.5(SMARCA4):c.892A>G (p.Thr298Ala)

Gene: SMARCA4 (SWI/SNF related BAF chromatin remodeling complex subunit ATPase 4; plus strand). Cytogenetic location: 19p13.2.
Variant type: single nucleotide variant.
Coding change: c.892A>G on transcript NM_003072.5 (MANE Select); coding-DNA position 892, A replaced by G.
Protein change: p.Thr298Ala; replaces threonine 298 with alanine.
Molecular consequence: missense variant. On other transcripts: non-coding transcript variant (1).
Genome position (GRCh38, 1-based): chr19:10,987,698, A>G. VCF-style: chr19-10987698-A-G. GRCh37 (hg19) VCF-style: chr19-11098374-A-G.
Other names: c.892A>G, p.Thr298Ala (NM_001128845.2, NM_001128846.2, NM_001128847.4 and 5 more transcripts); c.892A>G (NM_001128849.1); short protein forms T298A.
Identifiers: ClinVar variation 1506045 (VCV001506045.9), dbSNP rs878854244, ClinGen allele CA404058407.

ClinVar aggregate classification (germline): Uncertain significance. Review status: criteria provided, multiple submitters, no conflicts (2 of 4 stars). 2 submissions from 2 submitters: Uncertain significance (2). Last evaluated 2025-10-01.

Conditions:
Hereditary cancer-predisposing syndrome. Also called: Hereditary neoplastic syndrome; Tumor predisposition; Neoplastic Syndromes, Hereditary; Hereditary Cancer Syndrome. Identifiers: Orphanet 140162, MedGen C0027672, MeSH D009386, MONDO:0015356.
Rhabdoid tumor predisposition syndrome 2 (RTPS2). Identifiers: Orphanet 231108, Orphanet 69077, MedGen C2750074, MONDO:0013224, OMIM 613325.

Submissions (2):

Labcorp Genetics (formerly Invitae), Labcorp
Classification: Uncertain significance for Rhabdoid tumor predisposition syndrome 2. Last evaluated: 2025-10-01. Review status: criteria provided, single submitter. Criteria: Invitae Variant Classification Sherloc (09022015). Collection method: clinical testing. Allele origin: germline.
Comment: This sequence change replaces threonine, which is neutral and polar, with alanine, which is neutral and non-polar, at codon 298 of the SMARCA4 protein (p.Thr298Ala). This variant is not present in population databases (gnomAD no frequency). This variant has not been reported in the literature in individuals affected with SMARCA4-related conditions. ClinVar contains an entry for this variant (Variation ID: 1506045). Invitae Evidence Modeling of protein sequence and biophysical properties (such as structural, functional, and spatial information, amino acid conservation, physicochemical variation, residue mobility, and thermodynamic stability) indicates that this missense variant is not expected to disrupt SMARCA4 protein function with a negative predictive value of 95%. In summary, the available evidence is currently insufficient to determine the role of this variant in disease. Therefore, it has been classified as a Variant of Uncertain Significance.

Ambry Genetics
Classification: Uncertain significance for Hereditary cancer-predisposing syndrome. Last evaluated: 2025-05-31. Review status: criteria provided, single submitter. Criteria: Ambry Variant Classification Scheme 2023. Collection method: clinical testing. Allele origin: germline.
Comment: The p.T298A variant (also known as c.892A>G), located in coding exon 5 of the SMARCA4 gene, results from an A to G substitution at nucleotide position 892. The threonine at codon 298 is replaced by alanine, an amino acid with similar properties. This amino acid position is conserved. In addition, this alteration is predicted to be tolerated by in silico analysis. Based on the available evidence, the clinical significance of this variant remains unclear.